The following is an entry in ClinVar:

ClinVar aggregate classification (germline): Uncertain significance. Review status: criteria provided, multiple submitters, no conflicts (2 of 4 stars). 3 submissions from 3 submitters: Uncertain significance (3). Last evaluated 2024-07-11.

Conditions:
Inborn genetic diseases. Identifiers: MedGen C0950123, MeSH D030342.

Allele frequency attached by ClinVar (database versions not stated): gnomAD 0.00005; TOPMed 0.00005; gnomAD exomes 0.00006 and 0.00007; ExAC 0.00008; 1000 Genomes Project 30x 0.00016; 1000 Genomes Project 0.00020.
gnomAD v4.1: 104 of 1,612,546 alleles (0.0064%); highest among the groups gnomAD compares: Admixed American, 0.012%; no homozygotes.

Submissions (3):

Blueprint Genetics
Classification: Uncertain significance. Last evaluated: 2024-07-11. Review status: criteria provided, single submitter. Criteria: ACMG Guidelines, 2015. Collection method: clinical testing. Allele origin: germline.

Ambry Genetics
Classification: Uncertain significance for Inborn genetic diseases. Last evaluated: 2023-03-20. Review status: criteria provided, single submitter. Criteria: Ambry Variant Classification Scheme 2023. Collection method: clinical testing. Allele origin: germline.

Labcorp Genetics (formerly Invitae), Labcorp
Classification: Uncertain significance. Last evaluated: 2022-07-05. Review status: criteria provided, single submitter. Criteria: Invitae Variant Classification Sherloc (09022015). Collection method: clinical testing. Allele origin: germline.
Comment: This sequence change replaces arginine, which is basic and polar, with tryptophan, which is neutral and slightly polar, at codon 440 of the CDT1 protein (p.Arg440Trp). This variant is present in population databases (rs553021912, gnomAD 0.02%). This variant has not been reported in the literature in individuals affected with CDT1-related conditions. ClinVar contains an entry for this variant (Variation ID: 1429471). Algorithms developed to predict the effect of missense changes on protein structure and function are either unavailable or do not agree on the potential impact of this missense change (SIFT: "Deleterious"; PolyPhen-2: "Benign"; Align-GVGD: "Class C0"). In summary, the available evidence is currently insufficient to determine the role of this variant in disease. Therefore, it has been classified as a Variant of Uncertain Significance.

NM_030928.4(CDT1):c.1318C>T (p.Arg440Trp)

Gene: CDT1 (chromatin licensing and DNA replication factor 1; plus strand). Cytogenetic location: 16q24.3.
Variant type: single nucleotide variant.
Coding change: c.1318C>T on transcript NM_030928.4 (MANE Select); coding-DNA position 1318, C replaced by T.
Protein change: p.Arg440Trp; replaces arginine 440 with tryptophan.
Molecular consequence: missense variant.
Genome position (GRCh38, 1-based): chr16:88,807,323, C>T. VCF-style: chr16-88807323-C-T. GRCh37 (hg19) VCF-style: chr16-88873731-C-T.
Other names: c.1318C>T (NM_030928.3); short protein forms R440W.
Identifiers: ClinVar variation 1429471 (VCV001429471.7), dbSNP rs553021912, ClinGen allele CA8234117.